The following is an entry in ClinVar:

ClinVar aggregate classification (germline): Uncertain significance. Review status: criteria provided, multiple submitters, no conflicts (2 of 4 stars). 2 submissions from 2 submitters: Uncertain significance (2). Last evaluated 2024-11-03.

Conditions:
Hereditary cancer-predisposing syndrome. Also called: Neoplastic Syndromes, Hereditary; Tumor predisposition; Hereditary Cancer Syndrome; Hereditary neoplastic syndrome. Identifiers: Orphanet 140162, MedGen C0027672, MeSH D009386, MONDO:0015356.
Gastrointestinal stromal tumor. Also called: Gastrointestinal stromal tumor, somatic; Gastrointestinal stroma tumor. Identifiers: Orphanet 44890, MedGen C0238198, MeSH D046152, MONDO:0011719, OMIM 606764, HP:0100723.

gnomAD v4.1: 4 of 1,614,036 alleles (0.00025%); highest among the groups gnomAD compares: Non-Finnish European, 0.00025%; no homozygotes.

Submissions (2):

Labcorp Genetics (formerly Invitae), Labcorp
Classification: Uncertain significance for Gastrointestinal stromal tumor. Last evaluated: 2024-11-03. Review status: criteria provided, single submitter. Criteria: Invitae Variant Classification Sherloc (09022015). Collection method: clinical testing. Allele origin: germline.
Comment: This sequence change replaces glycine, which is neutral and non-polar, with arginine, which is basic and polar, at codon 961 of the KIT protein (p.Gly961Arg). This variant is present in population databases (no rsID available, gnomAD 0.0009%). This variant has not been reported in the literature in individuals affected with KIT-related conditions. ClinVar contains an entry for this variant (Variation ID: 863827). An algorithm developed to predict the effect of missense changes on protein structure and function (PolyPhen-2) suggests that this variant is likely to be disruptive. In summary, the available evidence is currently insufficient to determine the role of this variant in disease. Therefore, it has been classified as a Variant of Uncertain Significance.

Ambry Genetics
Classification: Uncertain significance for Hereditary cancer-predisposing syndrome. Last evaluated: 2024-09-18. Review status: criteria provided, single submitter. Criteria: Ambry Variant Classification Scheme 2023. Collection method: clinical testing. Allele origin: germline.
Comment: The p.G961R variant (also known as c.2881G>C), located in coding exon 21 of the KIT gene, results from a G to C substitution at nucleotide position 2881. The glycine at codon 961 is replaced by arginine, an amino acid with dissimilar properties. This amino acid position is conserved. In addition, the in silico prediction for this alteration is inconclusive. Since supporting evidence is limited at this time, the clinical significance of this alteration remains unclear.

NM_000222.3(KIT):c.2881G>C (p.Gly961Arg)

Gene: KIT (KIT proto-oncogene, receptor tyrosine kinase; plus strand). Cytogenetic location: 4q12.
Variant type: single nucleotide variant.
Coding change: c.2881G>C on transcript NM_000222.3 (MANE Select); coding-DNA position 2881, G replaced by C.
Protein change: p.Gly961Arg; replaces glycine 961 with arginine.
Molecular consequence: missense variant.
Genome position (GRCh38, 1-based): chr4:54,738,507, G>C. VCF-style: chr4-54738507-G-C. GRCh37 (hg19) VCF-style: chr4-55604673-G-C.
Other names: c.2869G>C, p.Gly957Arg (NM_001093772.2, NM_001385292.1); c.2884G>C, p.Gly962Arg (NM_001385284.1); c.2878G>C, p.Gly960Arg (NM_001385285.1); c.2866G>C, p.Gly956Arg (NM_001385286.1); c.2872G>C, p.Gly958Arg (NM_001385288.1); c.2881G>C, p.Gly961Arg (NM_001385290.1); short protein forms G961R, G957R, G956R, G958R, G960R, G962R.
Identifiers: ClinVar variation 863827 (VCV000863827.13), dbSNP rs773828910, ClinGen allele CA356916387.